The following is an entry in ClinVar:

NM_007294.4(BRCA1):c.3166T>C (p.Ser1056Pro)

Gene: BRCA1 (BRCA1 DNA repair associated; minus strand). Cytogenetic location: 17q21.31.
Variant type: single nucleotide variant.
Coding change: c.3166T>C on transcript NM_007294.4 (MANE Select); coding-DNA position 3166, T replaced by C.
Protein change: p.Ser1056Pro; replaces serine 1056 with proline.
Molecular consequence: missense variant. On other transcripts: intron variant (137).
Genome position (GRCh38, 1-based): chr17:43,092,365, A>G on the plus strand (T>C on the coding strand, the complement: BRCA1 is on the minus strand). VCF-style: chr17-43092365-A-G. GRCh37 (hg19) VCF-style: chr17-41244382-A-G.
Other names: c.2953T>C, p.Ser985Pro (NM_001407571.1, NM_001407853.1, NM_001407894.1 and 9 more transcripts); c.3166T>C, p.Ser1056Pro (NM_001407581.1, NM_001407582.1, NM_001407583.1 and 30 more transcripts); c.3163T>C, p.Ser1055Pro (NM_001407587.1, NM_001407590.1, NM_001407591.1 and 22 more transcripts); c.3157T>C, p.Ser1053Pro (NM_001407646.1, NM_001407647.1); c.3043T>C, p.Ser1015Pro (NM_001407648.1, NM_001407664.1, NM_001407665.1 and 19 more transcripts); c.3040T>C, p.Ser1014Pro (NM_001407649.1, NM_001407670.1, NM_001407671.1 and 11 more transcripts); c.3088T>C, p.Ser1030Pro (NM_001407653.1, NM_001407654.1, NM_001407655.1 and 4 more transcripts); c.3085T>C, p.Ser1029Pro (NM_001407659.1, NM_001407660.1, NM_001407661.1 and 1 more transcripts); and 41 more; short protein forms S1056P, S1009P, S1030P, S1055P, S888P, S967P, S1014P, S760P.
Identifiers: ClinVar variation 232179 (VCV000232179.21), dbSNP rs876659601, ClinGen allele CA10580579.

ClinVar aggregate classification (germline): Conflicting classifications of pathogenicity. Review status: criteria provided, conflicting classifications (1 of 4 stars). 6 submissions from 6 submitters: Uncertain significance (5); Likely benign (1). Last evaluated 2025-09-13.

Conditions:
Hereditary cancer-predisposing syndrome. Also called: Neoplastic Syndromes, Hereditary; Tumor predisposition; Hereditary Cancer Syndrome; Hereditary neoplastic syndrome. Identifiers: Orphanet 140162, MedGen C0027672, MeSH D009386, MONDO:0015356.
Hereditary breast ovarian cancer syndrome. Also called: BRCA1- and BRCA2-Associated Hereditary Breast and Ovarian Cancer; Hereditary breast and ovarian cancer syndrome; Hereditary breast and ovarian cancer; Hereditary breast and ovarian cancer syndrome (HBOC); Breast and ovarian cancer; Hereditary breast and/or ovarian cancer syndrome. Identifiers: Orphanet 145, MedGen C0677776, MeSH D061325, MONDO:0003582. Disease mechanism: loss of function.

Allele frequency attached by ClinVar (database versions not stated): gnomAD exomes below 0.00001; TOPMed below 0.00001; gnomAD 0.00001.
gnomAD v4.1: 2 of 1,613,784 alleles (0.00012%); highest among the groups gnomAD compares: East Asian, 0.0022%; no homozygotes.

Submissions (6):

Ambry Genetics
Classification: Uncertain significance for Hereditary cancer-predisposing syndrome. Last evaluated: 2025-09-13. Review status: criteria provided, single submitter. Criteria: Ambry Variant Classification Scheme 2023. Collection method: clinical testing. Allele origin: germline.
Comment: The p.S1056P variant (also known as c.3166T>C), located in coding exon 9 of the BRCA1 gene, results from a T to C substitution at nucleotide position 3166. The serine at codon 1056 is replaced by proline, an amino acid with similar properties. This amino acid position is highly conserved in available vertebrate species. In addition, the in silico prediction for this alteration is inconclusive. Since supporting evidence is limited at this time, the clinical significance of this alteration remains unclear.

Labcorp Genetics (formerly Invitae), Labcorp
Classification: Uncertain significance for Hereditary breast ovarian cancer syndrome. Last evaluated: 2025-02-13. Review status: criteria provided, single submitter. Criteria: Invitae Variant Classification Sherloc (09022015). Collection method: clinical testing. Allele origin: germline.
Comment: This sequence change replaces serine, which is neutral and polar, with proline, which is neutral and non-polar, at codon 1056 of the BRCA1 protein (p.Ser1056Pro). This variant is not present in population databases (gnomAD no frequency). This variant has not been reported in the literature in individuals affected with BRCA1-related conditions. ClinVar contains an entry for this variant (Variation ID: 232179). Invitae Evidence Modeling of protein sequence and biophysical properties (such as structural, functional, and spatial information, amino acid conservation, physicochemical variation, residue mobility, and thermodynamic stability) indicates that this missense variant is not expected to disrupt BRCA1 protein function with a negative predictive value of 95%. In summary, the available evidence is currently insufficient to determine the role of this variant in disease. Therefore, it has been classified as a Variant of Uncertain Significance.

Quest Diagnostics Nichols Institute San Juan Capistrano
Classification: Uncertain significance. Last evaluated: 2025-01-16. Review status: criteria provided, single submitter. Criteria: Quest Diagnostics criteria. Collection method: clinical testing. Allele origin: unknown.

University of Washington Department of Laboratory Medicine, University of Washington
Classification: Likely benign for Hereditary cancer-predisposing syndrome. Last evaluated: 2023-03-23. Review status: criteria provided, single submitter. Criteria: Dines et al. (Genet Med. 2020). Collection method: curation. Allele origin: germline.
Comment: Missense variant in a coldspot region where missense variants are very unlikely to be pathogenic (PMID:31911673).

BRCA1 coldspot (exon 11 using historical exon numbering). Reclassification based on statistical prior probability

Color Diagnostics, LLC DBA Color Health
Classification: Uncertain significance for Hereditary cancer-predisposing syndrome. Last evaluated: 2022-04-05. Review status: criteria provided, single submitter. Criteria: ACMG Guidelines, 2015. Collection method: clinical testing. Allele origin: germline.
Comment: This missense variant replaces serine with proline at codon 1056 of the BRCA1 protein. Computational prediction is inconclusive regarding the impact of this variant on protein structure and function (internally defined REVEL score threshold 0.5 < inconclusive < 0.7, PMID: 27666373). To our knowledge, functional studies have not been reported for this variant. This variant has not been reported in individuals affected with hereditary cancer in the literature. This variant has not been identified in the general population by the Genome Aggregation Database (gnomAD). The available evidence is insufficient to determine the role of this variant in disease conclusively. Therefore, this variant is classified as a Variant of Uncertain Significance.

GeneDx
Classification: Uncertain significance. Last evaluated: 2022-01-07. Review status: criteria provided, single submitter. Criteria: GeneDx Variant Classification Process June 2021. Collection method: clinical testing. Allele origin: germline. Affected: yes.
Comment: Not observed at significant frequency in large population cohorts (gnomAD); In silico analysis supports that this missense variant has a deleterious effect on protein structure/function; Has not been previously published as pathogenic or benign to our knowledge; Also known as 3285T>C; This variant is associated with the following publications: (PMID: 15343273)

Literature cited by the submitters: PubMed 31911673 (cited by Quest Diagnostics Nichols Institute San Juan Capistrano); PubMed 32377563 (cited by Quest Diagnostics Nichols Institute San Juan Capistrano).